The following is an entry in ClinVar:

ClinVar aggregate classification (germline): Pathogenic/Likely pathogenic. Review status: criteria provided, multiple submitters, no conflicts (2 of 4 stars). 5 submissions from 5 submitters: Pathogenic (4); Likely pathogenic (1). Last evaluated 2025-06-25.

Conditions:
Telangiectasia, hereditary hemorrhagic, type 2 (HHT2). Also called: ACVRL1-Related Hereditary Hemorrhagic Telangiectasia; Telangiectasia, hereditary hemorrhagic, type II. Identifiers: Orphanet 774, MedGen C1838163, MONDO:0010880, OMIM 600376. Disease mechanism: loss of function.
Cardiovascular phenotype. Identifiers: MedGen CN230736.

Submissions (5):

ARUP Laboratories, Molecular Genetics and Genomics, ARUP Laboratories
Classification: Pathogenic for Telangiectasia, hereditary hemorrhagic, type 2. Last evaluated: 2025-06-25. Review status: criteria provided, single submitter. Criteria: ARUP Molecular Germline Variant Investigation Process 2024. Collection method: clinical testing. Allele origin: germline.
Comment: The ACVRL1 c.270C>A; p.Cys90Ter variant is reported in the literature in individuals affected with hereditary hemorrhagic telangiectasia (HHT) (McDonald 2011) and is also reported as pathogenic in ClinVar (Variation ID: 654296). This variant is absent from the Genome Aggregation Database, indicating it is not a common polymorphism. This variant induces an early termination codon and is predicted to result in a truncated protein or mRNA subject to nonsense-mediated decay. Based on available information, this variant is considered to be pathogenic. References: McDonald et al., Molecular diagnosis in hereditary hemorrhagic telangiectasia: findings in a series tested simultaneously by sequencing and deletion/duplication analysis. Clin Genet. 2011 Apr;79(4):335-44. PMID: 21158752

Labcorp Genetics (formerly Invitae), Labcorp
Classification: Pathogenic for Telangiectasia, hereditary hemorrhagic, type 2. Last evaluated: 2025-01-23. Review status: criteria provided, single submitter. Criteria: Invitae Variant Classification Sherloc (09022015). Collection method: clinical testing. Allele origin: germline.
Comment: This sequence change creates a premature translational stop signal (p.Cys90*) in the ACVRL1 gene. It is expected to result in an absent or disrupted protein product. Loss-of-function variants in ACVRL1 are known to be pathogenic (PMID: 15879500). This variant is not present in population databases (gnomAD no frequency). This premature translational stop signal has been observed in individuals with hereditary hemorrhagic telangiectasia (PMID: 21158752; internal data). ClinVar contains an entry for this variant (Variation ID: 654296). For these reasons, this variant has been classified as Pathogenic.

GeneDx
Classification: Pathogenic. Last evaluated: 2024-07-02. Review status: criteria provided, single submitter. Criteria: GeneDx Variant Classification Process June 2021. Collection method: clinical testing. Allele origin: germline. Affected: yes.
Comment: Nonsense variant predicted to result in protein truncation or nonsense mediated decay in a gene for which loss of function is a known mechanism of disease; Not observed at significant frequency in large population cohorts (gnomAD); This variant is associated with the following publications: (PMID: 25525159, 21158752)

Ambry Genetics
Classification: Pathogenic for Cardiovascular phenotype. Last evaluated: 2022-04-29. Review status: criteria provided, single submitter. Criteria: Ambry Variant Classification Scheme 2023. Collection method: clinical testing. Allele origin: germline.
Comment: The p.C90* pathogenic mutation (also known as c.270C>A), located in coding exon 2 of the ACVRL1 gene, results from a C to A substitution at nucleotide position 270. This changes the amino acid from a cysteine to a stop codon within coding exon 2. This mutation has been detected individuals with a clinical diagnosis of hereditary hemorrhagic telangiectasia (HHT) or features consistent with HHT (McDonald J et al. Clin Genet. 2011 Apr;79(4):335-44). This variant is considered to be rare based on population cohorts in the Genome Aggregation Database (gnomAD). In addition to the clinical data presented in the literature, this alteration is expected to result in loss of function by premature protein truncation or nonsense-mediated mRNA decay. As such, this alteration is interpreted as a disease-causing mutation.

Fulgent Genetics
Classification: Likely pathogenic for Telangiectasia, hereditary hemorrhagic, type 2. Last evaluated: 2021-12-23. Review status: criteria provided, single submitter. Criteria: ACMG Guidelines, 2015. Collection method: clinical testing. Allele origin: unknown.

Literature cited by the submitters: PubMed 15879500 (cited by Labcorp Genetics (formerly Invitae), Labcorp); PubMed 21158752 (cited by Labcorp Genetics (formerly Invitae), Labcorp and Ambry Genetics).

NM_000020.3(ACVRL1):c.270C>A (p.Cys90Ter)

Gene: ACVRL1 (activin A receptor like type 1; plus strand). Cytogenetic location: 12q13.13.
Variant type: single nucleotide variant.
Coding change: c.270C>A on transcript NM_000020.3 (MANE Select); coding-DNA position 270, C replaced by A.
Protein change: p.Cys90Ter; replaces cysteine 90 with a stop codon.
Molecular consequence: nonsense.
Genome position (GRCh38, 1-based): chr12:51,913,307, C>A. VCF-style: chr12-51913307-C-A. GRCh37 (hg19) VCF-style: chr12-52307091-C-A.
Other names: c.270C>A, p.Cys90Ter (NM_001077401.2); short protein forms C90*.
Identifiers: ClinVar variation 654296 (VCV000654296.13), dbSNP rs556168617, ClinGen allele CA384898043.